The following is an entry in ClinVar:

NM_016180.5(SLC45A2):c.304C>T (p.Arg102Trp)

Gene: SLC45A2 (solute carrier family 45 member 2; minus strand). Cytogenetic location: 5p13.2.
Variant type: single nucleotide variant.
Coding change: c.304C>T on transcript NM_016180.5 (MANE Select); coding-DNA position 304, C replaced by T.
Protein change: p.Arg102Trp; replaces arginine 102 with tryptophan.
Molecular consequence: missense variant.
Genome position (GRCh38, 1-based): chr5:33,984,280, G>A on the plus strand (C>T on the coding strand, the complement: SLC45A2 is on the minus strand). VCF-style: chr5-33984280-G-A. GRCh37 (hg19) VCF-style: chr5-33984385-G-A.
Other names: c.304C>T, p.Arg102Trp (NM_001012509.4, NM_001297417.4); short protein forms R102W.
Identifiers: ClinVar variation 1318799 (VCV001318799.8), dbSNP rs760331451, ClinGen allele CA3225831.

ClinVar aggregate classification (germline): Conflicting classifications of pathogenicity. Review status: criteria provided, conflicting classifications (1 of 4 stars). 3 submissions from 3 submitters: Pathogenic (2); Uncertain significance (1). Last evaluated 2025-01-29.

Conditions:
Oculocutaneous albinism type 4 (OCA4). Also called: Albinism, oculocutaneous, type IV. Identifiers: Orphanet 79435, MedGen C1847836, MONDO:0011683, OMIM 606574.

Allele frequency attached by ClinVar (database versions not stated): TOPMed below 0.00001; gnomAD exomes 0.00002; ExAC 0.00002.

Submissions (3):

Women's Health and Genetics/Laboratory Corporation of America, LabCorp
Classification: Pathogenic for Oculocutaneous albinism type 4. Last evaluated: 2025-01-29. Review status: criteria provided, single submitter. Criteria: LabCorp Variant Classification Summary - May 2015. Collection method: clinical testing. Allele origin: germline.
Comment: Variant summary: SLC45A2 c.304C>T (p.Arg102Trp) results in a non-conservative amino acid change located in the MFS general substrate transporter domain of the encoded protein sequence. Five of five in-silico tools predict a damaging effect of the variant on protein function. The variant allele was found at a frequency of 1.6e-05 in 251246 control chromosomes. c.304C>T has been reported in the literature in individuals affected with Oculocutaneous albinism type 4 (example: Lasseaux_2018, Marti_2018, Internal data). These data indicate that the variant is likely to be associated with disease. A different variant affecting this codon has been classified Pathogenic in ClinVar (Variation ID: 1443630). This suggests this residue may be critical for the normal function of the protein. The following publications have been ascertained in the context of this evaluation (PMID: 29345414 , 28976636). ClinVar contains an entry for this variant (Variation ID: 1318799). Based on the evidence outlined above, the variant was classified as pathogenic.

Labcorp Genetics (formerly Invitae), Labcorp
Classification: Pathogenic. Last evaluated: 2024-05-01. Review status: criteria provided, single submitter. Criteria: Invitae Variant Classification Sherloc (09022015). Collection method: clinical testing. Allele origin: germline.
Comment: This sequence change replaces arginine, which is basic and polar, with tryptophan, which is neutral and slightly polar, at codon 102 of the SLC45A2 protein (p.Arg102Trp). This variant is present in population databases (rs760331451, gnomAD 0.01%). This missense change has been observed in individuals with oculocutaneous albinism (PMID: 29345414; Invitae). ClinVar contains an entry for this variant (Variation ID: 1318799). Advanced modeling of protein sequence and biophysical properties (such as structural, functional, and spatial information, amino acid conservation, physicochemical variation, residue mobility, and thermodynamic stability) performed at Invitae indicates that this missense variant is expected to disrupt SLC45A2 protein function with a positive predictive value of 80%. This variant disrupts the p.Arg102 amino acid residue in SLC45A2. Other variant(s) that disrupt this residue have been determined to be pathogenic (Invitae). This suggests that this residue is clinically significant, and that variants that disrupt this residue are likely to be disease-causing. For these reasons, this variant has been classified as Pathogenic.

GeneDx
Classification: Uncertain significance. Last evaluated: 2020-04-09. Review status: criteria provided, single submitter. Criteria: GeneDx Variant Classification Process June 2021. Collection method: clinical testing. Allele origin: germline. Affected: yes.
Comment: Observed in two individuals with albinism in the presence of a second SLC45A2 variant in published literature (Lasseaux et al., 2018); In silico analysis supports that this missense variant has a deleterious effect on protein structure/function; This variant is associated with the following publications: (PMID: 28976636, 29345414)

Literature cited by the submitters: PubMed 29345414 (cited by Women's Health and Genetics/Laboratory Corporation of America, LabCorp and Labcorp Genetics (formerly Invitae), Labcorp); PubMed 28976636 (cited by Women's Health and Genetics/Laboratory Corporation of America, LabCorp).